The following is an entry in ClinVar:

NM_182493.3(MYLK3):c.2429A>G (p.Asn810Ser)

Gene: MYLK3 (myosin light chain kinase 3; minus strand). Cytogenetic location: 16q11.2.
Variant type: single nucleotide variant.
Coding change: c.2429A>G on transcript NM_182493.3 (MANE Select); coding-DNA position 2429, A replaced by G.
Protein change: p.Asn810Ser; replaces asparagine 810 with serine.
Molecular consequence: missense variant.
Genome position (GRCh38, 1-based): chr16:46,707,735, T>C on the plus strand (A>G on the coding strand, the complement: MYLK3 is on the minus strand). VCF-style: chr16-46707735-T-C. GRCh37 (hg19) VCF-style: chr16-46741647-T-C.
Other names: c.1406A>G, p.Asn469Ser (NM_001308301.1); short protein forms N469S, N810S.
Identifiers: ClinVar variation 4713883 (VCV004713883.1).

ClinVar aggregate classification (germline): Uncertain significance (1 of 4 stars; one submission).

gnomAD v4.1: 2 of 1,613,214 alleles (0.00012%); highest among the groups gnomAD compares: Non-Finnish European, 0.00017%; no homozygotes.

Submission:

Labcorp Genetics (formerly Invitae), Labcorp
Classification: Uncertain significance. Last evaluated: 2025-02-26. Review status: criteria provided, single submitter. Criteria: Invitae Variant Classification Sherloc (09022015). Collection method: clinical testing. Allele origin: germline.
Comment: This sequence change replaces asparagine, which is neutral and polar, with serine, which is neutral and polar, at codon 810 of the MYLK3 protein (p.Asn810Ser). This variant is not present in population databases (gnomAD no frequency). This variant has not been reported in the literature in individuals affected with MYLK3-related conditions. An algorithm developed to predict the effect of missense changes on protein structure and function (PolyPhen-2) suggests that this variant is likely to be disruptive. In summary, the available evidence is currently insufficient to determine the role of this variant in disease. Therefore, it has been classified as a Variant of Uncertain Significance.